The following is an entry in ClinVar:

ClinVar aggregate classification (germline): Uncertain significance (1 of 4 stars; one submission).

Conditions:
Cardiovascular phenotype. Identifiers: MedGen CN230736.

gnomAD v4.1: 4 of 1,614,210 alleles (0.00025%); highest among the groups gnomAD compares: Non-Finnish European, 0.00034%; no homozygotes.

Submission:

Ambry Genetics
Classification: Uncertain significance for Cardiovascular phenotype. Last evaluated: 2024-10-15. Review status: criteria provided, single submitter. Criteria: Ambry Variant Classification Scheme 2023. Collection method: clinical testing. Allele origin: germline.
Comment: The p.S1236T variant (also known as c.3707G>C), located in coding exon 24 of the ABCA1 gene, results from a G to C substitution at nucleotide position 3707. The serine at codon 1236 is replaced by threonine, an amino acid with similar properties. This amino acid position is conserved. In addition, the in silico prediction for this alteration is inconclusive. Based on the available evidence, the clinical significance of this variant remains unclear.

NM_005502.4(ABCA1):c.3707G>C (p.Ser1236Thr)

Gene: ABCA1 (ATP binding cassette subfamily A member 1; minus strand). Cytogenetic location: 9q31.1.
Variant type: single nucleotide variant.
Coding change: c.3707G>C on transcript NM_005502.4 (MANE Select); coding-DNA position 3707, G replaced by C.
Protein change: p.Ser1236Thr; replaces serine 1236 with threonine.
Molecular consequence: missense variant.
Genome position (GRCh38, 1-based): chr9:104,816,174, C>G on the plus strand (G>C on the coding strand, the complement: ABCA1 is on the minus strand). VCF-style: chr9-104816174-C-G. GRCh37 (hg19) VCF-style: chr9-107578455-C-G.
Other names: short protein forms S1236T.
Identifiers: ClinVar variation 3493136 (VCV003493136.1).